The following is an entry in ClinVar:

NM_000257.4(MYH7):c.2777T>C (p.Leu926Pro)

Gene: MYH7 (myosin heavy chain 7; minus strand). Cytogenetic location: 14q11.2.
Variant type: single nucleotide variant.
Coding change: c.2777T>C on transcript NM_000257.4 (MANE Select); coding-DNA position 2777, T replaced by C.
Protein change: p.Leu926Pro; replaces leucine 926 with proline.
Molecular consequence: missense variant.
Genome position (GRCh38, 1-based): chr14:23,424,052, A>G on the plus strand (T>C on the coding strand, the complement: MYH7 is on the minus strand). VCF-style: chr14-23424052-A-G. GRCh37 (hg19) VCF-style: chr14-23893261-A-G.
Other names: short protein forms L926P.
Identifiers: ClinVar variation 525005 (VCV000525005.8), dbSNP rs1555337583, ClinGen allele CA389047089.

ClinVar aggregate classification (germline): Uncertain significance (1 of 4 stars; one submission).

Conditions:
Hypertrophic cardiomyopathy. Also called: HYPERTROPHIC MYOCARDIOPATHY. Identifiers: Orphanet 217569, MedGen C0007194, MeSH D002312, MONDO:0005045, HP:0001639.

Submission:

Labcorp Genetics (formerly Invitae), Labcorp
Classification: Uncertain significance for Hypertrophic cardiomyopathy. Last evaluated: 2026-01-28. Review status: criteria provided, single submitter. Criteria: Invitae Variant Classification Sherloc (09022015). Collection method: clinical testing. Allele origin: germline.
Comment: This sequence change replaces leucine, which is neutral and non-polar, with proline, which is neutral and non-polar, at codon 926 of the MYH7 protein (p.Leu926Pro). This variant is not present in population databases (gnomAD no frequency). This missense change has been observed in individual(s) with hypertrophic cardiomyopathy (PMID: 29907873). ClinVar contains an entry for this variant (Variation ID: 525005). Invitae Evidence Modeling of protein sequence and biophysical properties (such as structural, functional, and spatial information, amino acid conservation, physicochemical variation, residue mobility, and thermodynamic stability) indicates that this missense variant is expected to disrupt MYH7 protein function with a positive predictive value of 95%. This variant is found within a region of MYH7 between codons 181 and 937 that contains the majority of the myosin head domain. Missense variants in this region have been shown to be significantly overrepresented in individuals with hypertrophic cardiomyopathy (PMID: 27532257). In summary, the available evidence is currently insufficient to determine the role of this variant in disease. Therefore, it has been classified as a Variant of Uncertain Significance.

Literature cited by the submitters: PubMed 29907873; PubMed 27532257.